The following is an entry in ClinVar:

ClinVar aggregate classification (germline): Uncertain significance (1 of 4 stars; one submission).

Submission:

Labcorp Genetics (formerly Invitae), Labcorp
Classification: Uncertain significance. Last evaluated: 2022-03-19. Review status: criteria provided, single submitter. Criteria: Invitae Variant Classification Sherloc (09022015). Collection method: clinical testing. Allele origin: germline.
Comment: Algorithms developed to predict the effect of missense changes on protein structure and function (SIFT, PolyPhen-2, Align-GVGD) all suggest that this variant is likely to be tolerated. In summary, the available evidence is currently insufficient to determine the role of this variant in disease. Therefore, it has been classified as a Variant of Uncertain Significance. This variant has not been reported in the literature in individuals affected with NEDD4L-related conditions. This variant is not present in population databases (gnomAD no frequency). This sequence change replaces glycine, which is neutral and non-polar, with arginine, which is basic and polar, at codon 17 of the NEDD4L protein (p.Gly17Arg).

NM_001144967.3(NEDD4L):c.49G>A (p.Gly17Arg)

Gene: NEDD4L (NEDD4 like E3 ubiquitin protein ligase; plus strand). Cytogenetic location: 18q21.31.
Variant type: single nucleotide variant.
Coding change: c.49G>A on transcript NM_001144967.3 (MANE Select); coding-DNA position 49, G replaced by A.
Protein change: p.Gly17Arg; replaces glycine 17 with arginine.
Molecular consequence: missense variant. On other transcripts: 5 prime UTR variant (3).
Genome position (GRCh38, 1-based): chr18:58,165,788, G>A. VCF-style: chr18-58165788-G-A. GRCh37 (hg19) VCF-style: chr18-55833020-G-A.
Other names: c.-315G>A (NM_001144964.1, NM_001144965.2); c.25G>A, p.Gly9Arg (NM_001144968.2, NM_001144969.2); c.-393G>A (NM_001144971.2); c.49G>A, p.Gly17Arg (NM_001243960.2, NM_015277.6); short protein forms G9R, G17R.
Identifiers: ClinVar variation 1381856 (VCV001381856.6), dbSNP rs2146617418, ClinGen allele CA402715199.